The following is an entry in ClinVar:

ClinVar aggregate classification (germline): Pathogenic/Likely pathogenic. Review status: criteria provided, multiple submitters, no conflicts (2 of 4 stars). 3 submissions from 3 submitters: Pathogenic (2); Likely pathogenic (1). Last evaluated 2025-11-16.

Conditions:
ERCC2-related disorder. Also called: ERCC2-related conditions; ERCC2-related condition; ERCC2-related disorders. Identifiers: MedGen CN239291.
Cerebrooculofacioskeletal syndrome 2 (COFS2). Identifiers: MedGen C1853102, MONDO:0012553, OMIM 610756.

Allele frequency attached by ClinVar (database versions not stated): TOPMed below 0.00001.

Submissions (3):

Labcorp Genetics (formerly Invitae), Labcorp
Classification: Pathogenic. Last evaluated: 2025-11-16. Review status: criteria provided, single submitter. Criteria: Invitae Variant Classification Sherloc (09022015). Collection method: clinical testing. Allele origin: germline.
Comment: This sequence change creates a premature translational stop signal (p.Glu638*) in the ERCC2 gene. It is expected to result in an absent or disrupted protein product. Loss-of-function variants in ERCC2 are known to be pathogenic (PMID: 9238033, 11335038, 19085937, 19934020). This variant is not present in population databases (gnomAD no frequency). This variant has not been reported in the literature in individuals affected with ERCC2-related conditions. ClinVar contains an entry for this variant (Variation ID: 3241397). For these reasons, this variant has been classified as Pathogenic.

Myriad Genetics, Inc.
Classification: Pathogenic for ERCC2-related disorder. Last evaluated: 2024-12-24. Review status: criteria provided, single submitter. Criteria: Myriad Autosomal Dominant, Autosomal Recessive and X-Linked Classification Criteria (2023). Collection method: clinical testing. Allele origin: unknown.
Comment: NM_000400.3(ERCC2):c.1912G>T(E638*) is expected to be pathogenic in the context of ERCC2-related disorders. This variant is predicted to lead to an abnormal or absent protein product due to the creation of a premature termination codon in ERCC2, a gene where loss-of-function variants are known to be pathogenic. Please note: this variant was assessed in the context of healthy population screening.

Baylor Genetics
Classification: Likely pathogenic for Cerebrooculofacioskeletal syndrome 2. Last evaluated: 2024-03-14. Review status: criteria provided, single submitter. Criteria: ACMG Guidelines, 2015. Collection method: clinical testing. Allele origin: unknown.

Literature cited by the submitters: PubMed 9238033 (cited by Labcorp Genetics (formerly Invitae), Labcorp); PubMed 11335038 (cited by Labcorp Genetics (formerly Invitae), Labcorp); PubMed 19085937 (cited by Labcorp Genetics (formerly Invitae), Labcorp); PubMed 19934020 (cited by Labcorp Genetics (formerly Invitae), Labcorp).

NM_000400.4(ERCC2):c.1912G>T (p.Glu638Ter)

Gene: ERCC2 (ERCC excision repair 2, TFIIH core complex helicase subunit; minus strand). Cytogenetic location: 19q13.32.
Variant type: single nucleotide variant.
Coding change: c.1912G>T on transcript NM_000400.4 (MANE Select); coding-DNA position 1912, G replaced by T.
Protein change: p.Glu638Ter; replaces glutamic acid 638 with a stop codon.
Molecular consequence: nonsense.
Genome position (GRCh38, 1-based): chr19:45,352,640, C>A on the plus strand (G>T on the coding strand, the complement: ERCC2 is on the minus strand). VCF-style: chr19-45352640-C-A. GRCh37 (hg19) VCF-style: chr19-45855898-C-A.
Other names: short protein forms E638*.
Identifiers: ClinVar variation 3241397 (VCV003241397.3), dbSNP rs1599724778.